The following is an entry in ClinVar:

NM_001128205.2(SULF1):c.2194C>T (p.Arg732Trp)

Gene: SULF1 (sulfatase 1; plus strand). Cytogenetic location: 8q13.3.
Variant type: single nucleotide variant.
Coding change: c.2194C>T on transcript NM_001128205.2 (MANE Select); coding-DNA position 2194, C replaced by T.
Protein change: p.Arg732Trp; replaces arginine 732 with tryptophan.
Molecular consequence: missense variant. On other transcripts: non-coding transcript variant (3).
Genome position (GRCh38, 1-based): chr8:69,629,589, C>T. VCF-style: chr8-69629589-C-T. GRCh37 (hg19) VCF-style: chr8-70541824-C-T.
Other names: c.2194C>T, p.Arg732Trp (NM_001128204.2, NM_001128206.2, NM_015170.3); c.2194C>T (NM_001128205.1); short protein forms R732W.
Identifiers: ClinVar variation 282083 (VCV000282083.12), dbSNP rs754254864, ClinGen allele CA4776101.
Genomic context (GRCh38, chr8:69,629,589, plus strand): 5'-AAACTGCAACTTTTCAAGGAGAACAACCGTAGGAGGAAGAAGGAGAGGAAGGAGAAGAGA[C>T]GGCAGAGGAAGGGGGAAGAGTGCAGCCTGCCTGGCCTCACTTGCTTCACGCATGACAACA-3'
Protein context (NP_001121677.1, residues 722-742): RRKKERKEKR[Arg732Trp]QRKGEECSLP

ClinVar aggregate classification (germline): Uncertain significance. Review status: criteria provided, multiple submitters, no conflicts (2 of 4 stars). 4 submissions from 4 submitters: Uncertain significance (4). Last evaluated 2026-01-26.

Allele frequency attached by ClinVar (database versions not stated): gnomAD exomes 0.00001 and 0.00002; ExAC 0.00002; gnomAD 0.00003; TOPMed 0.00005.
gnomAD v4.1: 54 of 1,613,860 alleles (0.0033%); highest among the groups gnomAD compares: Admixed American, 0.017%; 1 homozygote.

Submissions (4):

Labcorp Genetics (formerly Invitae), Labcorp
Classification: Uncertain significance. Last evaluated: 2026-01-26. Review status: criteria provided, single submitter. Criteria: Invitae Variant Classification Sherloc (09022015). Collection method: clinical testing. Allele origin: germline.
Comment: This sequence change replaces arginine, which is basic and polar, with tryptophan, which is neutral and slightly polar, at codon 732 of the SULF1 protein (p.Arg732Trp). This variant is present in population databases (rs754254864, gnomAD 0.02%). This variant has not been reported in the literature in individuals affected with SULF1-related conditions. ClinVar contains an entry for this variant (Variation ID: 282083). An algorithm developed to predict the effect of missense changes on protein structure and function (PolyPhen-2) suggests that this variant is likely to be disruptive. In summary, the available evidence is currently insufficient to determine the role of this variant in disease. Therefore, it has been classified as a Variant of Uncertain Significance.

Ambry Genetics
Classification: Uncertain significance. Last evaluated: 2021-08-12. Review status: criteria provided, single submitter. Criteria: Ambry Variant Classification Scheme 2023. Collection method: clinical testing. Allele origin: germline.

Fulgent Genetics
Classification: Uncertain significance. Last evaluated: 2018-10-31. Review status: criteria provided, single submitter. Criteria: ACMG Guidelines, 2015. Collection method: clinical testing. Allele origin: unknown.

Eurofins Ntd Llc (ga)
Classification: Uncertain significance. Last evaluated: 2015-08-24. Review status: criteria provided, single submitter. Criteria: EGL Classification Definitions 2015. Collection method: clinical testing. Allele origin: germline.